The following is an entry in ClinVar:

ClinVar aggregate classification (germline): Conflicting classifications of pathogenicity. Review status: criteria provided, conflicting classifications (1 of 4 stars). 3 submissions from 3 submitters: Uncertain significance (1); Likely benign (1). 1 of the submissions does not count toward it. Last evaluated 2025-12-21.

Conditions:
MYO3A-related disorder. Also called: MYO3A-related condition.

Allele frequency attached by ClinVar (database versions not stated): ExAC 0.00017; TOPMed 0.00005; gnomAD exomes 0.00003; gnomAD 0.00005.
gnomAD v4.1: 51 of 1,610,362 alleles (0.0032%); highest among the groups gnomAD compares: East Asian, 0.11%; no homozygotes.

Submissions (3):

Labcorp Genetics (formerly Invitae), Labcorp
Classification: Likely benign. Last evaluated: 2025-12-21. Review status: criteria provided, single submitter. Criteria: Invitae Variant Classification Sherloc (09022015). Collection method: clinical testing. Allele origin: germline.

GeneDx
Classification: Uncertain significance. Last evaluated: 2025-02-11. Review status: criteria provided, single submitter. Criteria: GeneDx Variant Classification Process June 2021. Collection method: clinical testing. Allele origin: germline. Affected: yes.
Comment: In silico analysis supports that this missense variant has a deleterious effect on protein structure/function; Has not been previously published as pathogenic or benign to our knowledge

PreventionGenetics, part of Exact Sciences
Classification: Likely benign for MYO3A-related condition. Last evaluated: 2022-04-25. Review status: no assertion criteria provided. Collection method: clinical testing. Allele origin: germline. Not counted in ClinVar's aggregate classification.
Comment: This variant is classified as likely benign based on ACMG/AMP sequence variant interpretation guidelines (Richards et al. 2015 PMID: 25741868, with internal and published modifications).

NM_017433.5(MYO3A):c.1256T>C (p.Ile419Thr)

Gene: MYO3A (myosin IIIA; plus strand). Cytogenetic location: 10p12.1.
Variant type: single nucleotide variant.
Coding change: c.1256T>C on transcript NM_017433.5 (MANE Select); coding-DNA position 1256, T replaced by C.
Protein change: p.Ile419Thr; replaces isoleucine 419 with threonine.
Molecular consequence: missense variant.
Genome position (GRCh38, 1-based): chr10:26,070,196, T>C. VCF-style: chr10-26070196-T-C. GRCh37 (hg19) VCF-style: chr10-26359125-T-C.
Other names: c.1256T>C (NM_017433.4); short protein forms I419T.
Identifiers: ClinVar variation 2971191 (VCV002971191.6), dbSNP rs772679887, ClinGen allele CA5444601.